The following is an entry in ClinVar:

ClinVar aggregate classification (germline): Uncertain significance. Review status: criteria provided, multiple submitters, no conflicts (2 of 4 stars). 2 submissions from 2 submitters: Uncertain significance (2). Last evaluated 2025-08-07.

Conditions:
Inborn genetic diseases. Identifiers: MedGen C0950123, MeSH D030342.
Spondyloenchondrodysplasia with immune dysregulation (SPENCDI). Also called: ROIFMAN IMMUNOSKELETAL SYNDROME; SPONDYLOENCHONDRODYSPLASIA WITH OR WITHOUT IMMUNE DYSREGULATION; COMBINED IMMUNODEFICIENCY WITH AUTOIMMUNITY AND SPONDYLOMETAPHYSEAL DYSPLASIA. Identifiers: Orphanet 1855, MedGen C1842763, MONDO:0011939, OMIM 607944.

gnomAD v4.1: 16 of 1,614,170 alleles (0.00099%); highest among the groups gnomAD compares: Non-Finnish European, 0.0014%; no homozygotes.

Submissions (2):

Ambry Genetics
Classification: Uncertain significance for Inborn genetic diseases. Last evaluated: 2025-08-07. Review status: criteria provided, single submitter. Criteria: Ambry Variant Classification Scheme 2023. Collection method: clinical testing. Allele origin: germline.

Labcorp Genetics (formerly Invitae), Labcorp
Classification: Uncertain significance for Spondyloenchondrodysplasia with immune dysregulation. Last evaluated: 2024-11-11. Review status: criteria provided, single submitter. Criteria: Invitae Variant Classification Sherloc (09022015). Collection method: clinical testing. Allele origin: germline.
Comment: This sequence change replaces glycine, which is neutral and non-polar, with arginine, which is basic and polar, at codon 21 of the ACP5 protein (p.Gly21Arg). This variant is present in population databases (rs757630659, gnomAD 0.006%). This variant has not been reported in the literature in individuals affected with ACP5-related conditions. ClinVar contains an entry for this variant (Variation ID: 841591). Invitae Evidence Modeling of protein sequence and biophysical properties (such as structural, functional, and spatial information, amino acid conservation, physicochemical variation, residue mobility, and thermodynamic stability) indicates that this missense variant is not expected to disrupt ACP5 protein function with a negative predictive value of 95%. In summary, the available evidence is currently insufficient to determine the role of this variant in disease. Therefore, it has been classified as a Variant of Uncertain Significance.

NM_001611.5(ACP5):c.61G>C (p.Gly21Arg)

Gene: ACP5 (acid phosphatase 5, tartrate resistant; minus strand). Cytogenetic location: 19p13.2.
Variant type: single nucleotide variant.
Coding change: c.61G>C on transcript NM_001611.5 (MANE Select); coding-DNA position 61, G replaced by C.
Protein change: p.Gly21Arg; replaces glycine 21 with arginine.
Molecular consequence: missense variant.
Genome position (GRCh38, 1-based): chr19:11,577,257, C>G on the plus strand (G>C on the coding strand, the complement: ACP5 is on the minus strand). VCF-style: chr19-11577257-C-G. GRCh37 (hg19) VCF-style: chr19-11688072-C-G.
Other names: c.61G>C (NM_001111035.1); c.61G>C, p.Gly21Arg (NM_001111034.3, NM_001111035.3, NM_001111036.3 and 1 more transcripts); short protein forms G21R.
Identifiers: ClinVar variation 841591 (VCV000841591.8), dbSNP rs757630659, ClinGen allele CA9215531.